The following is an entry in ClinVar:

ClinVar aggregate classification (germline): Uncertain significance (1 of 4 stars; one submission).

gnomAD v4.1: 1 of 1,607,244 alleles (0.000062%); highest among the groups gnomAD compares: Non-Finnish European, 0.000085%; no homozygotes.

Submission:

Ambry Genetics
Classification: Uncertain significance. Last evaluated: 2025-03-24. Review status: criteria provided, single submitter. Criteria: Ambry Variant Classification Scheme 2023. Collection method: clinical testing. Allele origin: germline.
Comment: The p.Q596H variant (also known as c.1788G>C), located in coding exon 8 of the RNF43 gene, results from a G to C substitution at nucleotide position 1788. The glutamine at codon 596 is replaced by histidine, an amino acid with highly similar properties. This amino acid position is conserved. In addition, this alteration is predicted to be tolerated by in silico analysis. Based on the available evidence, the clinical significance of this variant remains unclear.

NM_017763.6(RNF43):c.1788G>C (p.Gln596His)

Gene: RNF43 (ring finger protein 43; minus strand). Cytogenetic location: 17q22.
Variant type: single nucleotide variant.
Coding change: c.1788G>C on transcript NM_017763.6 (MANE Select); coding-DNA position 1788, G replaced by C.
Protein change: p.Gln596His; replaces glutamine 596 with histidine.
Molecular consequence: missense variant.
Genome position (GRCh38, 1-based): chr17:58,357,988, C>G on the plus strand (G>C on the coding strand, the complement: RNF43 is on the minus strand). VCF-style: chr17-58357988-C-G. GRCh37 (hg19) VCF-style: chr17-56435349-C-G.
Other names: c.1407G>C, p.Gln469His (NM_001305545.2); c.1788G>C, p.Gln596His (NM_001305544.3); short protein forms Q469H, Q596H.
Identifiers: ClinVar variation 3946829 (VCV003946829.1).